The following is an entry in ClinVar:

NM_024989.4(PGAP1):c.1350+4_1350+5insAAA

Gene: PGAP1 (post-GPI attachment to proteins inositol deacylase 1; minus strand). Cytogenetic location: 2q33.1.
Variant type: Insertion.
Coding change: c.1350+4_1350+5insAAA on transcript NM_024989.4 (MANE Select); bases 4 to 5 of the intron after coding-DNA position 1350, AAA inserted.
Molecular consequence: intron variant.
Genome position: GRCh38 VCF-style: chr2-196880071-G-GTTT. GRCh37 (hg19) VCF-style: chr2-197744795-G-GTTT.
Other names: c.183+4_183+5insAAA (NM_001321100.2); c.828+4_828+5insAAA (NM_001321099.2).
Identifiers: ClinVar variation 1461336 (VCV001461336.6), dbSNP rs759795498, ClinGen allele CA2040949.
Genomic context (GRCh38, chr2:196,880,071, plus strand): 5'-AAGAACTGTAAAATTTAGCATGTGTCTCCAAAACATTCTAATAACAATCTTAACCCACTT[G>GTTT]TTACCTTACTTCCACGAACAGATGGTACATAAACAACAAGATGAGACAAAGATGGATAGT-3'

ClinVar aggregate classification (germline): Uncertain significance (1 of 4 stars; one submission).

Conditions:
Intellectual disability, autosomal recessive 42 (NEDDSBA). Also called: Neurodevelopmental disorder with dysmorphic features, spasticity, and brain abnormalities; GLYCOSYLPHOSPHATIDYLINOSITOL BIOSYNTHESIS DEFECT 9. Identifiers: Orphanet 88616, MedGen C4014343, MONDO:0014348, OMIM 615802.

Submission:

Labcorp Genetics (formerly Invitae), Labcorp
Classification: Uncertain significance for Intellectual disability, autosomal recessive 42. Last evaluated: 2024-10-28. Review status: criteria provided, single submitter. Criteria: Invitae Variant Classification Sherloc (09022015). Collection method: clinical testing. Allele origin: germline.
Comment: This sequence change falls in intron 13 of the PGAP1 gene. It does not directly change the encoded amino acid sequence of the PGAP1 protein. It affects a nucleotide within the consensus splice site. This variant is present in population databases (rs759795498, gnomAD 0.0009%). This variant has not been reported in the literature in individuals affected with PGAP1-related conditions. ClinVar contains an entry for this variant (Variation ID: 1461336). Variants that disrupt the consensus splice site are a relatively common cause of aberrant splicing (PMID: 17576681, 9536098). Algorithms developed to predict the effect of sequence changes on RNA splicing suggest that this variant is not likely to affect RNA splicing. In summary, the available evidence is currently insufficient to determine the role of this variant in disease. Therefore, it has been classified as a Variant of Uncertain Significance.

Literature cited by the submitters: PubMed 17576681; PubMed 9536098.